The following is an entry in ClinVar:

ClinVar aggregate classification (germline): Uncertain significance. Review status: criteria provided, multiple submitters, no conflicts (2 of 4 stars). 2 submissions from 2 submitters: Uncertain significance (2). Last evaluated 2025-04-11.

Conditions:
Inborn genetic diseases. Identifiers: MedGen C0950123, MeSH D030342.

Allele frequency attached by ClinVar (database versions not stated): ExAC 0.00001; gnomAD 0.00001; gnomAD exomes 0.00001; TOPMed 0.00001.
gnomAD v4.1: 5 of 1,614,024 alleles (0.00031%); highest among the groups gnomAD compares: Admixed American, 0.0017%; no homozygotes.

Submissions (2):

Ambry Genetics
Classification: Uncertain significance for Inborn genetic diseases. Last evaluated: 2025-04-11. Review status: criteria provided, single submitter. Criteria: Ambry Variant Classification Scheme 2023. Collection method: clinical testing. Allele origin: germline.

Labcorp Genetics (formerly Invitae), Labcorp
Classification: Uncertain significance. Last evaluated: 2022-03-16. Review status: criteria provided, single submitter. Criteria: Invitae Variant Classification Sherloc (09022015). Collection method: clinical testing. Allele origin: germline.
Comment: This variant has not been reported in the literature in individuals affected with DNAJC12-related conditions. In summary, the available evidence is currently insufficient to determine the role of this variant in disease. Therefore, it has been classified as a Variant of Uncertain Significance. Algorithms developed to predict the effect of missense changes on protein structure and function output the following: SIFT: "Tolerated"; PolyPhen-2: "Benign"; Align-GVGD: "Class C0". The tyrosine amino acid residue is found in multiple mammalian species, which suggests that this missense change does not adversely affect protein function. This variant is present in population databases (rs780011729, gnomAD 0.003%). This sequence change replaces histidine, which is basic and polar, with tyrosine, which is neutral and polar, at codon 77 of the DNAJC12 protein (p.His77Tyr).

NM_021800.3(DNAJC12):c.229C>T (p.His77Tyr)

Gene: DNAJC12 (DnaJ heat shock protein family (Hsp40) member C12; minus strand). Cytogenetic location: 10q21.3.
Variant type: single nucleotide variant.
Coding change: c.229C>T on transcript NM_021800.3 (MANE Select); coding-DNA position 229, C replaced by T.
Protein change: p.His77Tyr; replaces histidine 77 with tyrosine.
Molecular consequence: missense variant.
Genome position (GRCh38, 1-based): chr10:67,811,592, G>A on the plus strand (C>T on the coding strand, the complement: DNAJC12 is on the minus strand). VCF-style: chr10-67811592-G-A. GRCh37 (hg19) VCF-style: chr10-69571350-G-A.
Other names: c.229C>T, p.His77Tyr (NM_201262.2); c.229C>T (NM_021800.2); short protein forms H77Y.
Identifiers: ClinVar variation 2050920 (VCV002050920.5), dbSNP rs780011729, ClinGen allele CA5520872.